The following is an entry in ClinVar:

NM_000448.3(RAG1):c.2146C>T (p.Arg716Trp)

Gene: RAG1 (recombination activating 1; plus strand). Cytogenetic location: 11p12.
Variant type: single nucleotide variant.
Coding change: c.2146C>T on transcript NM_000448.3 (MANE Select); coding-DNA position 2146, C replaced by T.
Protein change: p.Arg716Trp; replaces arginine 716 with tryptophan.
Molecular consequence: missense variant.
Genome position (GRCh38, 1-based): chr11:36,575,450, C>T. VCF-style: chr11-36575450-C-T. GRCh37 (hg19) VCF-style: chr11-36597000-C-T.
Other names: p.Arg716Trp; c.2146C>T (NM_000448.2); c.2146C>T, p.Arg716Trp (NM_001377277.1, NM_001377278.1, NM_001377279.1 and 1 more transcripts); short protein forms R716W.
Identifiers: ClinVar variation 871801 (VCV000871801.49), dbSNP rs199776076, ClinGen allele CA5950218.

ClinVar aggregate classification (germline): Pathogenic/Likely pathogenic. Review status: criteria provided, multiple submitters, no conflicts (2 of 4 stars). 7 submissions from 7 submitters: Pathogenic (4); Likely pathogenic (3). Last evaluated 2025-11-13.

Conditions:
Combined immunodeficiency with skin granulomas. Identifiers: Orphanet 157949, MedGen C2673536, MONDO:0009306, OMIM 233650.
Severe combined immunodeficiency, autosomal recessive, T cell-negative, B cell-negative, NK cell-positive. Also called: SCID, AR, T-cell negative, B-cell negative, NK cell-positive; Severe combined immunodeficiency due to complete RAG1/2 deficiency; SCID, T CELL-NEGATIVE, B CELL-NEGATIVE, NK CELL-POSITIVE. Identifiers: Orphanet 331206, MedGen C1832322, MONDO:0011086, OMIM 601457.
Combined immunodeficiency due to partial RAG1 deficiency. Identifiers: Orphanet 231154, MedGen C1835931, MONDO:0012359, OMIM 609889.
RAG1-related disorder. Also called: RAG1-related condition; RAG1-related disorders.
Histiocytic medullary reticulosis. Also called: SEVERE COMBINED IMMUNODEFICIENCY WITH HYPEREOSINOPHILIA; Omenn syndrome. Identifiers: Orphanet 39041, MedGen C2700553, MONDO:0011338, OMIM 603554.

Allele frequency attached by ClinVar (database versions not stated): gnomAD 0.00001; gnomAD exomes 0.00001 and 0.00003; ExAC 0.00002; TOPMed 0.00002.
gnomAD v4.1: 22 of 1,613,982 alleles (0.0014%); highest among the groups gnomAD compares: African/African-American, 0.004%; no homozygotes.

Submissions (7):

3billion
Classification: Pathogenic for Histiocytic medullary reticulosis. Last evaluated: 2025-11-13. Review status: criteria provided, single submitter. Criteria: ACMG Guidelines, 2015. Collection method: clinical testing. Allele origin: germline. Affected: yes.
Comment: The variant is observed at an extremely low frequency in the gnomAD v4.1.0 dataset (total allele frequency: 0.001%). Predicted Consequence/Location: Missense variant In silico tool predictions suggest damaging effect of the variant on gene or gene product [REVEL: 0.92 (>=0.6, sensitivity 0.68 and specificity 0.92); 3Cnet: 0.99 (> 0.75, sensitivity 0.96 and precision 0.92)]. The same nucleotide change resulting in the same amino acid change has been previously reported as pathogenic/likely pathogenic with strong evidence (ClinVar ID: VCV000871801 /PMID: 15696198). The variant has been reported to be in trans with a pathogenic variant as either compound heterozygous or homozygous in at least one similarly affected unrelated individual (PMID: 15696198). A different missense change at the same codon (p.Arg716Gln) has been reported as pathogenic/likely pathogenic with strong evidence (ClinVar ID: VCV000418448 /PMID: 28109013). Therefore, this variant is classified as Pathogenic according to the recommendation of ACMG/AMP guideline.

Labcorp Genetics (formerly Invitae), Labcorp
Classification: Pathogenic for Combined immunodeficiency with skin granulomas; Severe combined immunodeficiency, autosomal recessive, T cell-negative, B cell-negative, NK cell-positive. Last evaluated: 2024-08-21. Review status: criteria provided, single submitter. Criteria: Invitae Variant Classification Sherloc (09022015). Collection method: clinical testing. Allele origin: germline.
Comment: This sequence change replaces arginine, which is basic and polar, with tryptophan, which is neutral and slightly polar, at codon 716 of the RAG1 protein (p.Arg716Trp). This variant is present in population databases (rs199776076, gnomAD 0.007%). This missense change has been observed in individuals with severe combined immunodeficiency or Omenn syndrome (PMID: 15696198, 28769923, 30778343). This variant is also known as C2258T. ClinVar contains an entry for this variant (Variation ID: 871801). Invitae Evidence Modeling of protein sequence and biophysical properties (such as structural, functional, and spatial information, amino acid conservation, physicochemical variation, residue mobility, and thermodynamic stability) has been performed for this missense variant. However, the output from this modeling did not meet the statistical confidence thresholds required to predict the impact of this variant on RAG1 protein function. This variant disrupts the p.Arg716 amino acid residue in RAG1. Other variant(s) that disrupt this residue have been observed in individuals with RAG1-related conditions (PMID: 28109013, 35729272), which suggests that this may be a clinically significant amino acid residue. For these reasons, this variant has been classified as Pathogenic.

Mayo Clinic Laboratories, Mayo Clinic
Classification: Likely pathogenic. Last evaluated: 2024-08-19. Review status: criteria provided, single submitter. Criteria: ACMG Guidelines, 2015. Collection method: clinical testing. Allele origin: germline. Observed: 1 variant allele.
Comment: PP3, PP4, PM2, PM3, PM5

Baylor Genetics
Classification: Likely pathogenic for Combined immunodeficiency due to partial RAG1 deficiency. Last evaluated: 2024-02-15. Review status: criteria provided, single submitter. Criteria: ACMG Guidelines, 2015. Collection method: clinical testing. Allele origin: unknown.

Fulgent Genetics
Classification: Likely pathogenic for Combined immunodeficiency with skin granulomas; Severe combined immunodeficiency, autosomal recessive, T cell-negative, B cell-negative, NK cell-positive; Histiocytic medullary reticulosis; Combined immunodeficiency due to partial RAG1 deficiency. Last evaluated: 2024-01-06. Review status: criteria provided, single submitter. Criteria: ACMG Guidelines, 2015. Collection method: clinical testing. Allele origin: germline.

Blueprint Genetics
Classification: Pathogenic for RAG1-related disorders. Last evaluated: 2023-10-02. Review status: criteria provided, single submitter. Criteria: ACMG Guidelines, 2015. Collection method: clinical testing. Allele origin: germline. Affected: yes. Observed: 4 variant alleles.

CeGaT Center for Human Genetics Tuebingen
Classification: Pathogenic. Last evaluated: 2019-07-01. Review status: criteria provided, single submitter. Criteria: CeGaT Center For Human Genetics Tuebingen Variant Classification Criteria Version 2. Collection method: clinical testing. Allele origin: germline. Affected: yes. Observed: 1 variant allele.

Literature cited by the submitters: PubMed 28109013 (cited by 3 submitters); PubMed 15696198 (cited by 3 submitters); PubMed 28769923 (cited by Labcorp Genetics (formerly Invitae), Labcorp and Mayo Clinic Laboratories, Mayo Clinic); PubMed 30778343 (cited by Labcorp Genetics (formerly Invitae), Labcorp and Mayo Clinic Laboratories, Mayo Clinic); PubMed 35729272 (cited by Labcorp Genetics (formerly Invitae), Labcorp and Mayo Clinic Laboratories, Mayo Clinic); PubMed 33365035 (cited by Mayo Clinic Laboratories, Mayo Clinic).